The following is an entry in ClinVar:

ClinVar aggregate classification (germline): Uncertain significance. Review status: criteria provided, multiple submitters, no conflicts (2 of 4 stars). 2 submissions from 2 submitters: Uncertain significance (2). Last evaluated 2024-08-01.

Allele frequency attached by ClinVar (database versions not stated): gnomAD 0.00001; gnomAD exomes 0.00003 and 0.00007; TOPMed 0.00004; ExAC 0.00006.
gnomAD v4.1: 21 of 1,591,122 alleles (0.0013%); highest among the groups gnomAD compares: Admixed American, 0.035%; no homozygotes.

Submissions (2):

GeneDx
Classification: Uncertain significance. Last evaluated: 2024-08-01. Review status: criteria provided, single submitter. Criteria: GeneDx Variant Classification Process June 2021. Collection method: clinical testing. Allele origin: germline. Affected: yes.
Comment: In silico analysis indicates that this missense variant does not alter protein structure/function; Has not been previously published as pathogenic or benign to our knowledge

Labcorp Genetics (formerly Invitae), Labcorp
Classification: Uncertain significance. Last evaluated: 2022-06-21. Review status: criteria provided, single submitter. Criteria: Invitae Variant Classification Sherloc (09022015). Collection method: clinical testing. Allele origin: germline.
Comment: This sequence change replaces glycine, which is neutral and non-polar, with alanine, which is neutral and non-polar, at codon 21 of the HTRA2 protein (p.Gly21Ala). This variant is present in population databases (rs768870295, gnomAD 0.05%). This variant has not been reported in the literature in individuals affected with HTRA2-related conditions. Algorithms developed to predict the effect of missense changes on protein structure and function (SIFT, PolyPhen-2, Align-GVGD) all suggest that this variant is likely to be tolerated. In summary, the available evidence is currently insufficient to determine the role of this variant in disease. Therefore, it has been classified as a Variant of Uncertain Significance.

NM_013247.5(HTRA2):c.62G>C (p.Gly21Ala)

Gene: HTRA2 (HtrA serine peptidase 2; plus strand). Cytogenetic location: 2p13.1.
Variant type: single nucleotide variant.
Coding change: c.62G>C on transcript NM_013247.5 (MANE Select); coding-DNA position 62, G replaced by C.
Protein change: p.Gly21Ala; replaces glycine 21 with alanine.
Molecular consequence: missense variant. On other transcripts: non-coding transcript variant (1).
Genome position (GRCh38, 1-based): chr2:74,530,068, G>C. VCF-style: chr2-74530068-G-C. GRCh37 (hg19) VCF-style: chr2-74757195-G-C.
Other names: c.62G>C, p.Gly21Ala (NM_001321727.1, NM_001321728.1, NM_145074.2); c.62G>C (NM_013247.4); short protein forms G21A.
Identifiers: ClinVar variation 1401320 (VCV001401320.4), dbSNP rs768870295, ClinGen allele CA1728280.
Genomic context (GRCh38, chr2:74,530,068, plus strand): 5'-TGGCTGCGCCGAGGGCGGGGCGGGGTGCAGGCTGGAGCCTTCGGGCATGGCGGGCTTTGG[G>C]GGGCATTCGCTGGGGGAGGAGACCCCGTTTGACCCCTGACCTCCGGGCCCTGCTGACGTC-3'
Protein context (NP_037379.1, residues 11-31): GWSLRAWRAL[Gly21Ala]GIRWGRRPRL